The following is an entry in ClinVar:

NM_001854.4(COL11A1):c.4931G>A (p.Gly1644Asp)

Gene: COL11A1 (collagen type XI alpha 1 chain; minus strand). Cytogenetic location: 1p21.1.
Variant type: single nucleotide variant.
Coding change: c.4931G>A on transcript NM_001854.4 (MANE Select); coding-DNA position 4931, G replaced by A.
Protein change: p.Gly1644Asp; replaces glycine 1644 with aspartic acid.
Molecular consequence: missense variant. On other transcripts: non-coding transcript variant (1).
Genome position (GRCh38, 1-based): chr1:102,883,239, C>T on the plus strand (G>A on the coding strand, the complement: COL11A1 is on the minus strand). VCF-style: chr1-102883239-C-T. GRCh37 (hg19) VCF-style: chr1-103348795-C-T.
Other names: c.4583G>A, p.Gly1528Asp (NM_001168249.1, NM_080630.4); c.4814G>A, p.Gly1605Asp (NM_001190709.2); c.4967G>A, p.Gly1656Asp (NM_080629.3); short protein forms G1605D, G1656D, G1528D, G1644D.
Identifiers: ClinVar variation 2073139 (VCV002073139.4), dbSNP rs1650479753, ClinGen allele CA341211519.

ClinVar aggregate classification (germline): Uncertain significance (1 of 4 stars; one submission).

Allele frequency attached by ClinVar (database versions not stated): TOPMed below 0.00001; gnomAD exomes 0.00002.
gnomAD v4.1: 18 of 1,613,572 alleles (0.0011%); highest among the groups gnomAD compares: Non-Finnish European, 0.0014%; no homozygotes.

Submission:

Labcorp Genetics (formerly Invitae), Labcorp
Classification: Uncertain significance. Last evaluated: 2026-01-26. Review status: criteria provided, single submitter. Criteria: Invitae Variant Classification Sherloc (09022015). Collection method: clinical testing. Allele origin: germline.
Comment: This sequence change replaces glycine, which is neutral and non-polar, with aspartic acid, which is acidic and polar, at codon 1644 of the COL11A1 protein (p.Gly1644Asp). This variant is not present in population databases (gnomAD no frequency). This variant has not been reported in the literature in individuals affected with COL11A1-related conditions. ClinVar contains an entry for this variant (Variation ID: 2073139). Invitae Evidence Modeling of protein sequence and biophysical properties (such as structural, functional, and spatial information, amino acid conservation, physicochemical variation, residue mobility, and thermodynamic stability) indicates that this missense variant is not expected to disrupt COL11A1 protein function with a negative predictive value of 80%. In summary, the available evidence is currently insufficient to determine the role of this variant in disease. Therefore, it has been classified as a Variant of Uncertain Significance.